The following is an entry in ClinVar:

NM_000219.6(KCNE1):c.7C>T (p.Leu3=)

Gene: KCNE1 (potassium voltage-gated channel subfamily E regulatory subunit 1; minus strand). Cytogenetic location: 21q22.12.
Variant type: single nucleotide variant.
Coding change: c.7C>T on transcript NM_000219.6 (MANE Select); coding-DNA position 7, C replaced by T.
Protein change: p.Leu3=; no amino-acid change (leucine 3 retained).
Molecular consequence: synonymous variant.
Genome position (GRCh38, 1-based): chr21:34,449,628, G>A on the plus strand (C>T on the coding strand, the complement: KCNE1 is on the minus strand). VCF-style: chr21-34449628-G-A. GRCh37 (hg19) VCF-style: chr21-35821926-G-A.
Other names: c.7C>T, p.Leu3= (NM_001127668.4, NM_001127669.4, NM_001127670.4 and 4 more transcripts).
Identifiers: ClinVar variation 3373973 (VCV003373973.2).

Conditions:
Long QT syndrome 5 (LQT5). Identifiers: Orphanet 101016, Orphanet 768, MedGen C1867904, MONDO:0013372, OMIM 613695.

Submission:

Roden Lab, Vanderbilt University Medical Center
No classification provided (evidence only). Condition: Long QT syndrome 5. Review status: no classification provided. Collection method: in vitro. Allele origin: not applicable. Functional consequence: Effect on ion channel function.
ClinVar note: "not provided" was previously submitted as the classification for the variant. However, the classification appeared to be based only on an observation of functional data so it was converted to no classification on 2025-07-30.